The following is an entry in ClinVar:

ClinVar aggregate classification (germline): Uncertain significance. Review status: criteria provided, multiple submitters, no conflicts (2 of 4 stars). 2 submissions from 2 submitters: Uncertain significance (2). Last evaluated 2025-02-09.

Conditions:
Inborn genetic diseases. Identifiers: MedGen C0950123, MeSH D030342.

gnomAD v4.1: 57 of 1,611,816 alleles (0.0035%); highest among the groups gnomAD compares: Middle Eastern, 0.049%; no homozygotes.

Submissions (2):

Ambry Genetics
Classification: Uncertain significance for Inborn genetic diseases. Last evaluated: 2025-02-09. Review status: criteria provided, single submitter. Criteria: Ambry Variant Classification Scheme 2023. Collection method: clinical testing. Allele origin: germline.

Labcorp Genetics (formerly Invitae), Labcorp
Classification: Uncertain significance. Last evaluated: 2025-01-17. Review status: criteria provided, single submitter. Criteria: Invitae Variant Classification Sherloc (09022015). Collection method: clinical testing. Allele origin: germline.
Comment: This sequence change replaces arginine, which is basic and polar, with glutamine, which is neutral and polar, at codon 1304 of the TONSL protein (p.Arg1304Gln). This variant is present in population databases (rs374503291, gnomAD 0.01%). This variant has not been reported in the literature in individuals affected with TONSL-related conditions. Invitae Evidence Modeling of protein sequence and biophysical properties (such as structural, functional, and spatial information, amino acid conservation, physicochemical variation, residue mobility, and thermodynamic stability) indicates that this missense variant is expected to disrupt TONSL protein function with a positive predictive value of 80%. In summary, the available evidence is currently insufficient to determine the role of this variant in disease. Therefore, it has been classified as a Variant of Uncertain Significance.

NM_013432.5(TONSL):c.3911G>A (p.Arg1304Gln)

Gene: TONSL (tonsoku like, DNA repair protein; minus strand). Cytogenetic location: 8q24.3.
Variant type: single nucleotide variant.
Coding change: c.3911G>A on transcript NM_013432.5 (MANE Select); coding-DNA position 3911, G replaced by A.
Protein change: p.Arg1304Gln; replaces arginine 1304 with glutamine.
Molecular consequence: missense variant.
Genome position (GRCh38, 1-based): chr8:144,430,436, C>T on the plus strand (G>A on the coding strand, the complement: TONSL is on the minus strand). VCF-style: chr8-144430436-C-T. GRCh37 (hg19) VCF-style: chr8-145655819-C-T.
Other names: c.3911G>A (NM_013432.4); short protein forms R1304Q.
Identifiers: ClinVar variation 3608701 (VCV003608701.2).